The following is an entry in ClinVar:

NM_015488.5(PNKD):c.839G>T (p.Gly280Val)

Genes: CATIP-AS2 (CATIP antisense RNA 2; minus strand), PNKD (PNKD metallo-beta-lactamase domain containing; plus strand). Cytogenetic location: 2q35.
Variant type: single nucleotide variant.
Coding change: c.839G>T on transcript NM_015488.5 (MANE Select); coding-DNA position 839, G replaced by T.
Protein change: p.Gly280Val; replaces glycine 280 with valine.
Molecular consequence: missense variant.
Genome position (GRCh38, 1-based): chr2:218,343,557, G>T. VCF-style: chr2-218343557-G-T. GRCh37 (hg19) VCF-style: chr2-219208280-G-T.
Other names: c.767G>T, p.Gly256Val (NM_022572.5); short protein forms G280V, G256V.
Identifiers: ClinVar variation 577501 (VCV000577501.9), dbSNP rs766132328, ClinGen allele CA2104119.
Genomic context (GRCh38, chr2:218,343,557, plus strand): 5'-CAGGGCGGACCTTTGAGGGCAATGCAGAGACCATGCTGAGCTCACTGGACACTGTGCTGG[G>T]GCTAGGGGATGACACCCTTCTGTGGCCTGGTGAGACACCCCCTTACTACTCCCCATCCTC-3'
Protein context (NP_056303.3, residues 270-290): TMLSSLDTVL[Gly280Val]LGDDTLLWPG

ClinVar aggregate classification (germline): Uncertain significance. Review status: criteria provided, multiple submitters, no conflicts (2 of 4 stars). 2 submissions from 2 submitters: Uncertain significance (2). Last evaluated 2026-01-05.

Conditions:
Paroxysmal nonkinesigenic dyskinesia. Also called: Paroxysmal non-kinesigenic dyskinesia. Identifiers: Orphanet 98810, MedGen C1869117, MONDO:0700088.
Inborn genetic diseases. Identifiers: MedGen C0950123, MeSH D030342.

Allele frequency attached by ClinVar (database versions not stated): gnomAD 0.00008 and 0.00009; TOPMed 0.00011.
gnomAD v4.1: 21 of 1,613,426 alleles (0.0013%); highest among the groups gnomAD compares: African/African-American, 0.015%; no homozygotes.

Submissions (2):

Labcorp Genetics (formerly Invitae), Labcorp
Classification: Uncertain significance for Paroxysmal nonkinesigenic dyskinesia. Last evaluated: 2026-01-05. Review status: criteria provided, single submitter. Criteria: Invitae Variant Classification Sherloc (09022015). Collection method: clinical testing. Allele origin: germline.
Comment: This sequence change replaces glycine, which is neutral and non-polar, with valine, which is neutral and non-polar, at codon 280 of the PNKD protein (p.Gly280Val). This variant is present in population databases (rs766132328, gnomAD 0.01%). This variant has not been reported in the literature in individuals affected with PNKD-related conditions. ClinVar contains an entry for this variant (Variation ID: 577501). Invitae Evidence Modeling of protein sequence and biophysical properties (such as structural, functional, and spatial information, amino acid conservation, physicochemical variation, residue mobility, and thermodynamic stability) indicates that this missense variant is not expected to disrupt PNKD protein function with a negative predictive value of 80%. In summary, the available evidence is currently insufficient to determine the role of this variant in disease. Therefore, it has been classified as a Variant of Uncertain Significance.

Ambry Genetics
Classification: Uncertain significance for Inborn genetic diseases. Last evaluated: 2024-03-07. Review status: criteria provided, single submitter. Criteria: Ambry Variant Classification Scheme 2023. Collection method: clinical testing. Allele origin: germline.